The following is an entry in ClinVar:

ClinVar aggregate classification (germline): Uncertain significance. Review status: criteria provided, multiple submitters, no conflicts (2 of 4 stars). 4 submissions from 4 submitters: Uncertain significance (4). Last evaluated 2026-09-21.

Conditions:
PLEC-related disorder. Also called: PLEC-related disorders; PLEC-related condition.
Epidermolysis bullosa simplex 5C, with pyloric atresia (EBS5C). Also called: PLEC-Related Epidermolysis Bullosa with Pyloric Atresia; PLEC1-Related Epidermolysis Bullosa with Pyloric Atresia; Epidermolysis bullosa simplex with pyloric atresia. Identifiers: Orphanet 158684, MedGen C2677349, MONDO:0012807, OMIM 612138.
Epidermolysis bullosa simplex, Ogna type (EBS5A). Also called: Pidermolysis bullosa simplex 5A, Ogna type; EPIDERMOLYSIS BULLOSA SIMPLEX 5A, OGNA TYPE. Identifiers: Orphanet 79401, MedGen C0432317, MONDO:0007555, OMIM 131950.
Epidermolysis bullosa simplex 5B, with muscular dystrophy (EBS5B). Also called: Epidermolysis bullosa simplex with muscular dystrophy; EPIDERMOLYSIS BULLOSA SIMPLEX AND LIMB-GIRDLE MUSCULAR DYSTROPHY. Identifiers: Orphanet 257, MedGen C2931072, MONDO:0009181, OMIM 226670.
Epidermolysis bullosa simplex with nail dystrophy (EBS5D). Identifiers: MedGen C4225309, MONDO:0014661, OMIM 616487.
Autosomal recessive limb-girdle muscular dystrophy type 2Q (LGMDR17). Also called: MUSCULAR DYSTROPHY, LIMB-GIRDLE, AUTOSOMAL RECESSIVE 17. Identifiers: Orphanet 254361, MedGen C3150989, MONDO:0013390, OMIM 613723.

Allele frequency attached by ClinVar (database versions not stated): gnomAD exomes 0.00001 and 0.00005; ExAC 0.00008; gnomAD 0.00012 and 0.00014; ESP Exome Variant Server 0.00016; TOPMed 0.00022.

Submissions (4):

PreventionGenetics, part of Exact Sciences
Classification: Uncertain significance for PLEC-related condition. Last evaluated: 2026-09-21. Review status: criteria provided, single submitter. Criteria: ACMG Guidelines, 2015. Collection method: clinical testing. Allele origin: germline.
Comment: The PLEC c.335G>A variant is predicted to result in the amino acid substitution p.Gly112Glu. To our knowledge, this variant has not been reported in the literature. This variant is reported in 0.060% of alleles in individuals of African descent in gnomAD. Although we suspect that this variant may be benign, at this time, the clinical significance of this variant is uncertain due to the absence of conclusive functional and genetic evidence.

Labcorp Genetics (formerly Invitae), Labcorp
Classification: Uncertain significance for Autosomal recessive limb-girdle muscular dystrophy type 2Q; Epidermolysis bullosa simplex, Ogna type; Epidermolysis bullosa simplex with nail dystrophy; Epidermolysis bullosa simplex 5C, with pyloric atresia; Epidermolysis bullosa simplex 5B, with muscular dystrophy. Last evaluated: 2024-09-02. Review status: criteria provided, single submitter. Criteria: Invitae Variant Classification Sherloc (09022015). Collection method: clinical testing. Allele origin: germline.
Comment: This sequence change replaces glycine, which is neutral and non-polar, with glutamic acid, which is acidic and polar, at codon 112 of the PLEC protein (p.Gly112Glu). This variant is present in population databases (rs373064570, gnomAD 0.06%). This missense change has been observed in individual(s) with clinical features of PLEC-related conditions (internal data). ClinVar contains an entry for this variant (Variation ID: 596002). Experimental studies and prediction algorithms are not available or were not evaluated, and the functional significance of this variant is currently unknown. In summary, the available evidence is currently insufficient to determine the role of this variant in disease. Therefore, it has been classified as a Variant of Uncertain Significance.

Revvity Omics, Revvity
Classification: Uncertain significance. Last evaluated: 2019-06-12. Review status: criteria provided, single submitter. Criteria: ACMG Guidelines, 2015. Collection method: clinical testing. Allele origin: germline.

Eurofins Ntd Llc (ga)
Classification: Uncertain significance. Last evaluated: 2018-02-09. Review status: criteria provided, single submitter. Criteria: EGL ClinVar v180209 classification definitions. Collection method: clinical testing. Allele origin: germline. Observed: 1 variant allele, 1 heterozygote.

NM_201384.3(PLEC):c.254G>A (p.Gly85Glu)

Gene: PLEC (plectin; minus strand). Cytogenetic location: 8q24.3.
Variant type: single nucleotide variant.
Coding change: c.254G>A on transcript NM_201384.3 (MANE Select); coding-DNA position 254, G replaced by A.
Protein change: p.Gly85Glu; replaces glycine 85 with glutamic acid.
Molecular consequence: missense variant.
Genome position (GRCh38, 1-based): chr8:143,938,161, C>T on the plus strand (G>A on the coding strand, the complement: PLEC is on the minus strand). VCF-style: chr8-143938161-C-T. GRCh37 (hg19) VCF-style: chr8-145012329-C-T.
Other names: c.335G>A, p.Gly112Glu (NM_000445.5); c.212G>A, p.Gly71Glu (NM_201378.4); c.188G>A, p.Gly63Glu (NM_201379.3); c.665G>A, p.Gly222Glu (NM_201380.4); c.158G>A, p.Gly53Glu (NM_201381.3); c.254G>A, p.Gly85Glu (NM_201382.4); c.266G>A, p.Gly89Glu (NM_201383.3); c.335G>A (NM_000445.4); short protein forms G112E, G71E, G53E, G85E, G89E, G222E, G63E.
Identifiers: ClinVar variation 596002 (VCV000596002.14), dbSNP rs373064570, ClinGen allele CA4928559.